The following is an entry in ClinVar:

ClinVar aggregate classification (germline): Conflicting classifications of pathogenicity. Review status: criteria provided, conflicting classifications (1 of 4 stars). 2 submissions from 2 submitters: Uncertain significance (1); Likely benign (1). Last evaluated 2026-06-09.

Conditions:
Renal cell carcinoma. Identifiers: Orphanet 217071, MedGen C0007134, MeSH D002292, MONDO:0005086, HP:0005584.
Hereditary cancer-predisposing syndrome. Also called: Tumor predisposition; Neoplastic Syndromes, Hereditary; Hereditary neoplastic syndrome; Hereditary Cancer Syndrome. Identifiers: Orphanet 140162, MedGen C0027672, MeSH D009386, MONDO:0015356.

Submissions (2):

Ambry Genetics
Classification: Likely benign for Hereditary cancer-predisposing syndrome. Last evaluated: 2026-06-09. Review status: criteria provided, single submitter. Criteria: Ambry Variant Classification Scheme 2023. Collection method: clinical testing. Allele origin: germline.

Labcorp Genetics (formerly Invitae), Labcorp
Classification: Uncertain significance for Renal cell carcinoma. Last evaluated: 2023-05-15. Review status: criteria provided, single submitter. Criteria: Invitae Variant Classification Sherloc (09022015). Collection method: clinical testing. Allele origin: germline.
Comment: This sequence change replaces leucine, which is neutral and non-polar, with methionine, which is neutral and non-polar, at codon 337 of the MET protein (p.Leu337Met). This variant is not present in population databases (gnomAD no frequency). This variant has not been reported in the literature in individuals affected with MET-related conditions. In summary, the available evidence is currently insufficient to determine the role of this variant in disease. Therefore, it has been classified as a Variant of Uncertain Significance. Advanced modeling of protein sequence and biophysical properties (such as structural, functional, and spatial information, amino acid conservation, physicochemical variation, residue mobility, and thermodynamic stability) performed at Invitae indicates that this missense variant is not expected to disrupt MET protein function. ClinVar contains an entry for this variant (Variation ID: 836396).

NM_000245.4(MET):c.1009C>A (p.Leu337Met)

Gene: MET (MET proto-oncogene, receptor tyrosine kinase; plus strand). Cytogenetic location: 7q31.2.
Variant type: single nucleotide variant.
Coding change: c.1009C>A on transcript NM_000245.4 (MANE Select); coding-DNA position 1009, C replaced by A.
Protein change: p.Leu337Met; replaces leucine 337 with methionine.
Molecular consequence: missense variant. On other transcripts: intron variant (1).
Genome position (GRCh38, 1-based): chr7:116,700,093, C>A. VCF-style: chr7-116700093-C-A. GRCh37 (hg19) VCF-style: chr7-116340147-C-A.
Other names: c.1009C>A, p.Leu337Met (NM_001127500.3, NM_001324401.3); c.-91+27516C>A (NM_001324402.2); short protein forms L337M.
Identifiers: ClinVar variation 836396 (VCV000836396.10), dbSNP rs1246936382, ClinGen allele CA368970341.